The following is an entry in ClinVar:

ClinVar aggregate classification (germline): Benign. Review status: reviewed by expert panel (3 of 4 stars). 6 submissions from 6 submitters: Benign (1). 5 of the submissions do not count toward it. Last evaluated 2025-02-11.

Conditions:
GP1BA-related disorder. Also called: GP1BA-related condition.
Bernard Soulier syndrome (BSS). Also called: Platelet Glycoprotein 1b, Deficiency of; PLATELET GLYCOPROTEIN Ib DEFICIENCY; BLEEDING DISORDER, PLATELET-TYPE, 1; GLYCOPROTEIN Ib, PLATELET, DEFICIENCY OF; VON WILLEBRAND FACTOR RECEPTOR DEFICIENCY; Giant platelet syndrome. Identifiers: Orphanet 274, MedGen C0005129, MeSH D001606, MONDO:0009276, OMIM 231200.

Allele frequency attached by ClinVar (database versions not stated): ESP Exome Variant Server 0.00034; gnomAD 0.00047 and 0.00059; gnomAD exomes 0.00071 and 0.00094; ExAC 0.00113; 1000 Genomes Project 0.00180.
gnomAD v4.1: 1,052 of 1,470,720 alleles (0.072%); highest among the groups gnomAD compares: Middle Eastern, 1%; 3 homozygotes.

Submissions (6):

ClinGen Platelet Disorders Variant Curation Expert Panel, ClinGen
Classification: Benign for Bernard Soulier syndrome. Last evaluated: 2025-02-11. Review status: reviewed by expert panel. Criteria: ClinGen Platelet ACMG Specifications GP1BA V1.0.0. Collection method: curation. Allele origin: germline. Inheritance: Autosomal recessive inheritance.
Comment: The NM_000173.7(GP1BA):c.1232C>T variant in GP1BA is a missense variant predicted to cause substitution of Proline by Leucine at amino acid 411 (p.Pro411Leu). The Grpmax filtering allele frequency in gnomAD v4.1 is 0.007836 (based on 54/5424) in the Middle Eastern population, which is higher than the ClinGen PD VCEP threshold (>0.001), and therefore meets BA1. The computational predictor REVEL gives a score of 0.223, which is below the ClinGen PD VCEP threshold of <0.290 and predicts no damaging effect on GP1BA function and the SpliceAI score is zero (BP4). In summary, this variant meets the criteria to be classified as Benign for autosomal recessive Bernard-Soulier syndrome based on the ACMG/AMP criteria applied, as specified by the ClinGen PD VCEP: BA1 and BP4 (VCEP specifications version 1).

Mayo Clinic Laboratories, Mayo Clinic
Classification: Likely benign. Last evaluated: 2025-05-23. Review status: criteria provided, single submitter. Criteria: ACMG Guidelines, 2015. Collection method: clinical testing. Allele origin: germline. Observed: 1 variant allele. Not counted in ClinVar's aggregate classification.
Comment: BS1, BP4

Blueprint Genetics
Classification: Likely benign. Last evaluated: 2024-10-30. Review status: criteria provided, single submitter. Criteria: ACMG Guidelines, 2015. Collection method: clinical testing. Allele origin: germline. Not counted in ClinVar's aggregate classification.

GeneDx
Classification: Uncertain significance. Last evaluated: 2023-09-21. Review status: criteria provided, single submitter. Criteria: GeneDx Variant Classification Process June 2021. Collection method: clinical testing. Allele origin: germline. Affected: yes. Not counted in ClinVar's aggregate classification.
Comment: In silico analysis, which includes protein predictors and evolutionary conservation, supports a deleterious effect; Has not been previously published as pathogenic or benign to our knowledge

Breakthrough Genomics
Classification: Likely benign. Review status: criteria provided, single submitter. Criteria: ACMG Guidelines, 2015. Collection method: not provided. Allele origin: germline. Inheritance: Autosomal recessive inheritance. Affected: yes. Not counted in ClinVar's aggregate classification.

PreventionGenetics, part of Exact Sciences
Classification: Likely benign for GP1BA-related condition. Last evaluated: 2019-09-06. Review status: no assertion criteria provided. Collection method: clinical testing. Allele origin: germline. Not counted in ClinVar's aggregate classification.
Comment: This variant is classified as likely benign based on ACMG/AMP sequence variant interpretation guidelines (Richards et al. 2015 PMID: 25741868, with internal and published modifications).

NM_000173.7(GP1BA):c.1232C>T (p.Pro411Leu)

Gene: GP1BA (glycoprotein Ib platelet subunit alpha; plus strand). Cytogenetic location: 17p13.2.
Variant type: single nucleotide variant.
Coding change: c.1232C>T on transcript NM_000173.7 (MANE Select); coding-DNA position 1232, C replaced by T.
Protein change: p.Pro411Leu; replaces proline 411 with leucine.
Molecular consequence: missense variant.
Genome position (GRCh38, 1-based): chr17:4,933,836, C>T. VCF-style: chr17-4933836-C-T. GRCh37 (hg19) VCF-style: chr17-4837131-C-T.
Other names: NM_000173.7(GP1BA):c.1232C>T; p.Pro411Leu; c.1232C>T (NM_000173.6); short protein forms P411L.
Identifiers: ClinVar variation 255464 (VCV000255464.9), dbSNP rs139921368, ClinGen allele CA8314930.